The following is an entry in ClinVar:

ClinVar aggregate classification (germline): Uncertain significance (1 of 4 stars; one submission).

gnomAD v4.1: 2 of 1,613,822 alleles (0.00012%); highest among the groups gnomAD compares: Non-Finnish European, 0.00017%; no homozygotes.

Submission:

GeneDx
Classification: Uncertain significance. Last evaluated: 2024-11-12. Review status: criteria provided, single submitter. Criteria: GeneDx Variant Classification Process June 2021. Collection method: clinical testing. Allele origin: germline. Affected: yes.
Comment: Not observed at significant frequency in large population cohorts (gnomAD); In silico analysis supports that this missense variant has a deleterious effect on protein structure/function; Has not been previously published as pathogenic or benign to our knowledge

NM_022124.6(CDH23):c.3687C>G (p.Ile1229Met)

Genes: C10orf105 (chromosome 10 open reading frame 105; minus strand), CDH23 (cadherin related 23; plus strand). Cytogenetic location: 10q22.1.
Variant type: single nucleotide variant.
Coding change: c.3687C>G on transcript NM_022124.6 (MANE Select); coding-DNA position 3687, C replaced by G.
Protein change: p.Ile1229Met; replaces isoleucine 1229 with methionine.
Molecular consequence: missense variant. On other transcripts: intron variant (1).
Genome position (GRCh38, 1-based): chr10:71,730,576, C>G. VCF-style: chr10-71730576-C-G. GRCh37 (hg19) VCF-style: chr10-73490333-C-G.
Other names: c.3687C>G, p.Ile1229Met (NM_001171930.2); c.-6+7152G>C (NM_001168390.2); short protein forms I1229M.
Identifiers: ClinVar variation 3899192 (VCV003899192.1).